The following is an entry in ClinVar:

NM_001080414.4(CCDC88C):c.82G>C (p.Gly28Arg)

Gene: CCDC88C (coiled-coil and HOOK domain protein 88C; minus strand). Cytogenetic location: 14q32.12.
Variant type: single nucleotide variant.
Coding change: c.82G>C on transcript NM_001080414.4 (MANE Select); coding-DNA position 82, G replaced by C.
Protein change: p.Gly28Arg; replaces glycine 28 with arginine.
Molecular consequence: missense variant. On other transcripts: non-coding transcript variant (2).
Genome position (GRCh38, 1-based): chr14:91,416,817, C>G on the plus strand (G>C on the coding strand, the complement: CCDC88C is on the minus strand). VCF-style: chr14-91416817-C-G. GRCh37 (hg19) VCF-style: chr14-91883161-C-G.
Other names: short protein forms G28R.
Identifiers: ClinVar variation 4699675 (VCV004699675.1).

ClinVar aggregate classification (germline): Uncertain significance (1 of 4 stars; one submission).

gnomAD v4.1: 4 of 1,613,332 alleles (0.00025%); highest among the groups gnomAD compares: Middle Eastern, 0.017%; no homozygotes.

Submission:

Labcorp Genetics (formerly Invitae), Labcorp
Classification: Uncertain significance. Last evaluated: 2025-12-15. Review status: criteria provided, single submitter. Criteria: Invitae Variant Classification Sherloc (09022015). Collection method: clinical testing. Allele origin: germline.
Comment: This sequence change replaces glycine, which is neutral and non-polar, with arginine, which is basic and polar, at codon 28 of the CCDC88C protein (p.Gly28Arg). This variant is not present in population databases (gnomAD no frequency). This variant has not been reported in the literature in individuals affected with CCDC88C-related conditions. An algorithm developed to predict the effect of missense changes on protein structure and function (PolyPhen-2) suggests that this variant is likely to be disruptive. In summary, the available evidence is currently insufficient to determine the role of this variant in disease. Therefore, it has been classified as a Variant of Uncertain Significance.